The following is an entry in ClinVar:

NM_000064.4(C3):c.1327G>T (p.Ala443Ser)

Gene: C3 (complement C3; minus strand). Cytogenetic location: 19p13.3.
Variant type: single nucleotide variant.
Coding change: c.1327G>T on transcript NM_000064.4 (MANE Select); coding-DNA position 1327, G replaced by T.
Protein change: p.Ala443Ser; replaces alanine 443 with serine.
Molecular consequence: missense variant.
Genome position (GRCh38, 1-based): chr19:6,711,139, C>A on the plus strand (G>T on the coding strand, the complement: C3 is on the minus strand). VCF-style: chr19-6711139-C-A. GRCh37 (hg19) VCF-style: chr19-6711150-C-A.
Other names: short protein forms A443S.
Identifiers: ClinVar variation 4280288 (VCV004280288.1).

ClinVar aggregate classification (germline): Uncertain significance (1 of 4 stars; one submission).

Conditions:
C3 glomerulonephritis. Also called: C3 GLOMERULOPATHY 3; Nephropathy due to CFHR5 Deficiency. Identifiers: Orphanet 329931, MedGen C4055342, MONDO:0013892, OMIM 614809.

Submission:

Genomenon, Inc
Classification: Uncertain significance for C3 glomerulonephritis. Last evaluated: 2025-09-30. Review status: criteria provided, single submitter. Criteria: Genomenon Sequence Variant Interpretation Standards. Collection method: curation. Allele origin: germline. Affected: yes.
Comment: C3 p.Ala443Ser (c.1327G>T) is a missense variant that changes the amino acid at residue 443 from Alanine to Serine. This variant has been observed in at least one proband affected with C3 glomerulonephritis (PMID:26283675). It is absent or not present at a significant frequency in gnomAD. In silico models agree that this variant is not damaging. In conclusion, we classify C3 p.Ala443Ser (c.1327G>T) as a variant of unknown significance.

Literature cited by the submitters: PubMed 26283675.